The following is an entry in ClinVar:

ClinVar aggregate classification (germline): Uncertain significance (1 of 4 stars; one submission).

Conditions:
Holoprosencephaly sequence (HPE). Also called: Holoprosencephaly. Identifiers: Orphanet 2162, MedGen C0079541, MONDO:0016296, HP:0001360.

Submission:

Labcorp Genetics (formerly Invitae), Labcorp
Classification: Uncertain significance for Holoprosencephaly sequence. Last evaluated: 2022-03-26. Review status: criteria provided, single submitter. Criteria: Invitae Variant Classification Sherloc (09022015). Collection method: clinical testing. Allele origin: germline.
Comment: This sequence change replaces arginine, which is basic and polar, with tryptophan, which is neutral and slightly polar, at codon 129 of the FOXH1 protein (p.Arg129Trp). In summary, the available evidence is currently insufficient to determine the role of this variant in disease. Therefore, it has been classified as a Variant of Uncertain Significance. Algorithms developed to predict the effect of missense changes on protein structure and function are either unavailable or do not agree on the potential impact of this missense change (SIFT: "Tolerated"; PolyPhen-2: "Probably Damaging"; Align-GVGD: "Class C0"). This variant has not been reported in the literature in individuals affected with FOXH1-related conditions. This variant is not present in population databases (gnomAD no frequency).

NM_003923.3(FOXH1):c.385C>T (p.Arg129Trp)

Gene: FOXH1 (forkhead box H1; minus strand). Cytogenetic location: 8q24.3.
Variant type: single nucleotide variant.
Coding change: c.385C>T on transcript NM_003923.3 (MANE Select); coding-DNA position 385, C replaced by T.
Protein change: p.Arg129Trp; replaces arginine 129 with tryptophan.
Molecular consequence: missense variant.
Genome position (GRCh38, 1-based): chr8:144,474,951, G>A on the plus strand (C>T on the coding strand, the complement: FOXH1 is on the minus strand). VCF-style: chr8-144474951-G-A. GRCh37 (hg19) VCF-style: chr8-145700334-G-A.
Other names: short protein forms R129W.
Identifiers: ClinVar variation 1961738 (VCV001961738.5), dbSNP rs1825098210, ClinGen allele CA372725092.